The following is an entry in ClinVar:

ClinVar aggregate classification (germline): Uncertain significance. Review status: criteria provided, multiple submitters, no conflicts (2 of 4 stars). 2 submissions from 2 submitters: Uncertain significance (2). Last evaluated 2025-10-24.

Conditions:
Inborn genetic diseases. Identifiers: MedGen C0950123, MeSH D030342.

gnomAD v4.1: 14 of 1,614,138 alleles (0.00087%); highest among the groups gnomAD compares: Admixed American, 0.022%; no homozygotes.

Submissions (2):

Mayo Clinic Laboratories, Mayo Clinic
Classification: Uncertain significance. Last evaluated: 2025-10-24. Review status: criteria provided, single submitter. Criteria: ACMG Guidelines, 2015. Collection method: clinical testing. Allele origin: germline. Observed: 1 variant allele.
Comment: PM2_supporting

Ambry Genetics
Classification: Uncertain significance for Inborn genetic diseases. Last evaluated: 2025-06-06. Review status: criteria provided, single submitter. Criteria: Ambry Variant Classification Scheme 2023. Collection method: clinical testing. Allele origin: germline.

NM_005141.5(FGB):c.1175G>C (p.Gly392Ala)

Gene: FGB (fibrinogen beta chain; plus strand). Cytogenetic location: 4q31.3.
Variant type: single nucleotide variant.
Coding change: c.1175G>C on transcript NM_005141.5 (MANE Select); coding-DNA position 1175, G replaced by C.
Protein change: p.Gly392Ala; replaces glycine 392 with alanine.
Molecular consequence: missense variant. On other transcripts: intron variant (1).
Genome position (GRCh38, 1-based): chr4:154,569,730, G>C. VCF-style: chr4-154569730-G-C. GRCh37 (hg19) VCF-style: chr4-155490882-G-C.
Other names: p.Gly392Ala; c.998G>C, p.Gly333Ala (NM_001184741.1); c.1043G>C, p.Gly348Ala (NM_001382759.1); c.1175G>C, p.Gly392Ala (NM_001382760.1, NM_001382761.1, NM_001382765.1); c.875G>C, p.Gly292Ala (NM_001382762.1); c.1166G>C, p.Gly389Ala (NM_001382763.1); c.1081-43G>C (NM_001382764.1); short protein forms G348A, G292A, G333A, G389A, G392A.
Identifiers: ClinVar variation 4024585 (VCV004024585.2).